The following is an entry in ClinVar:

NM_006767.4(LZTR1):c.2127del (p.Ile710fs)

Gene: LZTR1 (leucine zipper like post translational regulator 1; plus strand). Cytogenetic location: 22q11.21.
Variant type: Deletion.
Coding change: c.2127del on transcript NM_006767.4 (MANE Select); coding-DNA position 2127, one base deleted (C; older notation c.2127delC).
Protein change: p.Ile710fs; shifts the reading frame from isoleucine 710.
Molecular consequence: frameshift variant.
Genome position (GRCh38, 1-based): chr22:20,996,020, C deleted; the last of 2 consecutive C bases (chr22:20,996,019-20,996,020); deleting either gives the same sequence. VCF-style (leftmost placement, unchanged base first): chr22-20996018-TC-T. GRCh37 (hg19) VCF-style: chr22-21350307-TC-T.
Other names: short protein forms I710fs.
Identifiers: ClinVar variation 4615610 (VCV004615610.1).
Genomic context (GRCh38, chr22:20,996,018, plus strand): 5'-TGCAGCTACTTTGAAGCCATGTTCCGGTCCTTCATGCCCGAAGATGGGCAGGTGAACATC[TC>T]CATCGGGGAGATGGTGCCCAGCAGGCAGGCCTTCGAGTCCATGCTGCGCTACATCTACTA-3'

ClinVar aggregate classification (germline): Pathogenic (1 of 4 stars; one submission).

Conditions:
Cardiovascular phenotype. Identifiers: MedGen CN230736.
Hereditary cancer-predisposing syndrome. Also called: Neoplastic Syndromes, Hereditary; Tumor predisposition; Hereditary Cancer Syndrome; Hereditary neoplastic syndrome. Identifiers: Orphanet 140162, MedGen C0027672, MeSH D009386, MONDO:0015356.

Submission:

Ambry Genetics
Classification: Pathogenic for Cardiovascular phenotype; Hereditary cancer-predisposing syndrome. Last evaluated: 2025-09-19. Review status: criteria provided, single submitter. Criteria: Ambry Variant Classification Scheme 2023. Collection method: clinical testing. Allele origin: germline.
Comment: The c.2127delC pathogenic mutation, located in coding exon 18 of the LZTR1 gene, results from a deletion of one nucleotide at nucleotide position 2127, causing a translational frameshift with a predicted alternate stop codon (p.I710Sfs*57). This alteration is expected to result in loss of function by premature protein truncation or nonsense-mediated mRNA decay. Loss-of-function variants in LZTR1 are related to an increased risk for schwannomas and autosomal recessive Noonan syndrome; however, such associations with autosomal dominant Noonan syndrome have not been observed (Piotrowski A et al. Nat Genet. 2014 Feb;46:182-7; Yamamoto GL et al. J Med Genet. 2015 Jun;52:413-21; Johnston JJ et al. Genet Med. 2018 10;20:1175-1185). Based on the supporting evidence, this variant is pathogenic for an increased risk of LZTR1-related schwannomatosis (SWN) and would be expected to cause autosomal recessive Noonan syndrome when present along with a second pathogenic or likely pathogenic variant on the other allele; however, the association of this alteration with autosomal dominant Noonan syndrome is unlikely.